The following is an entry in ClinVar:

ClinVar aggregate classification (germline): Uncertain significance. Review status: criteria provided, multiple submitters, no conflicts (2 of 4 stars). 6 submissions from 6 submitters: Uncertain significance (6). Last evaluated 2024-10-25.

Conditions:
Immunodeficiency, common variable, 7. Identifiers: Orphanet 1572, Orphanet 696894, MedGen C3542922, MONDO:0013862, OMIM 614699.
Systemic lupus erythematosus, susceptibility to, 9. Also called: Systemic lupus erythematosus 9. Identifiers: MedGen C1970455, MONDO:0012584, OMIM 610927.
Immunodeficiency, common variable, 2 (CVID2). Also called: ANTIBODY DEFICIENCY DUE TO TACI DEFECT; HYPOGAMMAGLOBULINEMIA DUE TO TACI DEFICIENCY. Identifiers: Orphanet 1572, MedGen C3150354, MONDO:0009413, OMIM 240500.

Allele frequency attached by ClinVar (database versions not stated): ESP Exome Variant Server 0.00031; gnomAD exomes 0.00032 and 0.00084; gnomAD 0.00034 and 0.00036; ExAC 0.00028; TOPMed 0.00029.
gnomAD v4.1: 1,261 of 1,613,586 alleles (0.078%); highest among the groups gnomAD compares: Non-Finnish European, 0.1%; 1 homozygote.

Submissions (6):

Blueprint Genetics
Classification: Uncertain significance. Last evaluated: 2024-10-25. Review status: criteria provided, single submitter. Criteria: ACMG Guidelines, 2015. Collection method: clinical testing. Allele origin: germline.

Genome-Nilou Lab
Classification: Uncertain significance for Immunodeficiency, common variable, 7. Last evaluated: 2023-04-11. Review status: criteria provided, single submitter. Criteria: ACMG Guidelines, 2015. Collection method: clinical testing. Allele origin: germline. Affected: no.

Labcorp Genetics (formerly Invitae), Labcorp
Classification: Uncertain significance for Immunodeficiency, common variable, 7. Last evaluated: 2022-08-12. Review status: criteria provided, single submitter. Criteria: Invitae Variant Classification Sherloc (09022015). Collection method: clinical testing. Allele origin: germline.
Comment: This sequence change replaces proline, which is neutral and non-polar, with alanine, which is neutral and non-polar, at codon 404 of the CR2 protein (p.Pro404Ala). This variant is present in population databases (rs148388565, gnomAD 0.06%). This variant has not been reported in the literature in individuals affected with CR2-related conditions. ClinVar contains an entry for this variant (Variation ID: 578201). Algorithms developed to predict the effect of missense changes on protein structure and function are either unavailable or do not agree on the potential impact of this missense change (SIFT: "Deleterious"; PolyPhen-2: "Probably Damaging"; Align-GVGD: "Class C0"). In summary, the available evidence is currently insufficient to determine the role of this variant in disease. Therefore, it has been classified as a Variant of Uncertain Significance.

Fulgent Genetics
Classification: Uncertain significance for Immunodeficiency, common variable, 2; Systemic lupus erythematosus, susceptibility to, 9; Immunodeficiency, common variable, 7. Last evaluated: 2022-05-12. Review status: criteria provided, single submitter. Criteria: ACMG Guidelines, 2015. Collection method: clinical testing. Allele origin: unknown.

CeGaT Center for Human Genetics Tuebingen
Classification: Uncertain significance. Last evaluated: 2018-07-01. Review status: criteria provided, single submitter. Criteria: CeGaT Center For Human Genetics Tuebingen Variant Classification Criteria Version 2. Collection method: clinical testing. Allele origin: germline. Affected: yes. Observed: 1 variant allele.

Center for Genomics, Ann and Robert H. Lurie Children's Hospital of Chicago
Classification: Uncertain significance for Systemic lupus erythematosus, susceptibility to, 9; Immunodeficiency, common variable, 7. Review status: criteria provided, single submitter. Criteria: ACMG Guidelines, 2015. Collection method: clinical testing. Allele origin: germline.
Comment: CR2 NM_001006658.2 exon 6 p.Pro404Ala (c.1210C>G): This variant has not been reported in the literature but is present in 0.6% (82/128630) of European alleles in the Genome Aggregation Database. This variant is present in ClinVar (Variation ID:578201). Evolutionary conservation and computational predictive tools suggest that this variant may impact the protein. In summary, data on this variant is insufficient for disease classification. Therefore, the clinical significance of this variant is uncertain.

NM_001006658.3(CR2):c.1210C>G (p.Pro404Ala)

Genes: CR2 (complement C3d receptor 2; plus strand), LOC126805994 (BRD4-independent group 4 enhancer GRCh37_chr1:207642622-207643821; plus strand). Cytogenetic location: 1q32.2.
Variant type: single nucleotide variant.
Coding change: c.1210C>G on transcript NM_001006658.3 (MANE Select); coding-DNA position 1210, C replaced by G.
Protein change: p.Pro404Ala; replaces proline 404 with alanine.
Molecular consequence: missense variant.
Genome position (GRCh38, 1-based): chr1:207,470,087, C>G. VCF-style: chr1-207470087-C-G. GRCh37 (hg19) VCF-style: chr1-207643432-C-G.
Other names: c.1210C>G, p.Pro404Ala (NM_001877.5); short protein forms P404A.
Identifiers: ClinVar variation 578201 (VCV000578201.54), dbSNP rs148388565, ClinGen allele CA1368651.